The following is an entry in ClinVar:

NM_001130987.2(DYSF):c.1033+1G>A

Gene: DYSF (dysferlin; plus strand). Cytogenetic location: 2p13.2.
Variant type: single nucleotide variant.
Coding change: c.1033+1G>A on transcript NM_001130987.2 (MANE Select); the canonical splice donor site of the intron after coding-DNA position 1033, G replaced by A.
Molecular consequence: splice donor variant.
Genome position (GRCh38, 1-based): chr2:71,520,209, G>A. VCF-style: chr2-71520209-G-A. GRCh37 (hg19) VCF-style: chr2-71747339-G-A.
Other names: c.1030+1G>A (NM_001130979.2, NM_001130981.2, NM_001130980.2); c.937+1G>A (NM_001130978.2, NM_003494.4, NM_001130977.2 and 1 more transcripts); c.1033+1G>A (NM_001130982.2, NM_001130985.2); c.940+1G>A (NM_001130983.2, NM_001130455.2, NM_001130984.2 and 1 more transcripts).
Identifiers: ClinVar variation 94367 (VCV000094367.28), dbSNP rs201869739, ClinGen allele CA222224.

ClinVar aggregate classification (germline): Pathogenic. Review status: reviewed by expert panel (3 of 4 stars). 10 submissions from 10 submitters: Pathogenic (1). 9 of the submissions do not count toward it. Last evaluated 2025-10-07.

Conditions:
DYSF-related disorder. Also called: DYSF-related disorders; DYSF-related condition.
Miyoshi muscular dystrophy 1 (MMD1). Identifiers: Orphanet 45448, MedGen C4551973, MONDO:0024545, OMIM 254130.
Autosomal recessive limb-girdle muscular dystrophy. Identifiers: Orphanet 102015, MedGen C2931907, MONDO:0015152.
Autosomal recessive limb-girdle muscular dystrophy type 2B (LGMDR2). Also called: MUSCULAR DYSTROPHY, LIMB-GIRDLE, TYPE 3; Limb-Girdle Muscular Dystrophy Type 2B (LGMD2B); Limb-girdle muscular dystrophy, type 2B; MUSCULAR DYSTROPHY, LIMB-GIRDLE, AUTOSOMAL RECESSIVE 2. Identifiers: Orphanet 268, MedGen C1850889, MONDO:0009676, OMIM 253601.
Distal myopathy with anterior tibial onset. Identifiers: Orphanet 178400, MedGen C1847532, MONDO:0011721, OMIM 606768.
Neuromuscular disease caused by qualitative or quantitative defects of dysferlin. Also called: Dysferlinopathy; Qualitative or quantitative defects of dysferlin. Identifiers: Orphanet 207073, MedGen C2931687, MONDO:0016145.

Allele frequency attached by ClinVar (database versions not stated): ExAC 0.00005; 1000 Genomes Project 30x 0.00016; 1000 Genomes Project 0.00020; gnomAD 0.00001 and 0.00002; gnomAD exomes 0.00001 and 0.00004; TOPMed 0.00001.
gnomAD v4.1: 20 of 1,614,152 alleles (0.0012%); highest among the groups gnomAD compares: South Asian, 0.0055%; no homozygotes.

Submissions (10):

ClinGen Limb Girdle Muscular Dystrophy Variant Curation Expert Panel, ClinGen
Classification: Pathogenic for Autosomal recessive limb-girdle muscular dystrophy. Last evaluated: 2025-10-07. Review status: reviewed by expert panel. Criteria: ClinGen LGMD VCEP ACMG Specifications DYSF V1.0.0. Collection method: curation. Allele origin: germline. Inheritance: Autosomal recessive inheritance.
Comment: The NM_003494.4: c.937+1G>A variant in DYSF, which is also known as NM_001130987.2: c.1033+1G>A, occurs within the canonical splice donor site of intron 10 and is predicted to cause skipping of biologically relevant exon 10/55, resulting in a frameshift and premature truncation leading to nonsense mediated decay in a gene in which loss of function is an established disease mechanism (PVS1). This variant has been identified in at least nine individuals with LGMD (PMID: 16100712, 18853459, 23243261, 27647186, 33560664), including in a homozygous state in three individuals without reported familial consanguinity (1.0 pt, PMID: 23243261, 33560664) and in a compound heterozygous state with a pathogenic variant (NM_003494.4: c.3113G>A p.(Arg1038Gln), 1.0 pt, PMID: 33560664) (PM3_Strong). At least one patient with this variant and a second presumed diagnostic DYSF variant displayed disease progression and had significantly reduced or absent dysferlin protein expression, which is highly specific for DYSF-associated LGMD (PMID: 16100712, 18853459, 33560664; PP4_Strong). The filtering allele frequency of this variant is 0.000057966 in gnomAD v4.1.0 exomes (the upper threshold of the 95% CI of 5/86258 South Asian chromosomes), which is less than the ClinGen LGMD VCEP threshold (≤0.0001) (PM2_Supporting). In summary, this variant meets the criteria to be classified as Pathogenic for autosomal recessive limb girdle muscular dystrophy based on the ACMG/AMP criteria applied, as specified by the ClinGen LGMD VCEP (LGMD VCEP specifications version 1.0.0; 10/07/2025): PVS1, PM3_Strong, PP4_Strong, PM2_Supporting.

Labcorp Genetics (formerly Invitae), Labcorp
Classification: Pathogenic for Neuromuscular disease caused by qualitative or quantitative defects of dysferlin. Last evaluated: 2025-11-23. Review status: criteria provided, single submitter. Criteria: Invitae Variant Classification Sherloc (09022015). Collection method: clinical testing. Allele origin: germline. Not counted in ClinVar's aggregate classification.
Comment: This sequence change affects a donor splice site in intron 10 of the DYSF gene. It is expected to disrupt RNA splicing. Variants that disrupt the donor or acceptor splice site typically lead to a loss of protein function (PMID: 16199547), and loss-of-function variants in DYSF are known to be pathogenic (PMID: 17698709, 20301480). This variant is present in population databases (rs201869739, gnomAD 0.03%). Disruption of this splice site has been observed in individuals with dysferlinopathies (PMID: 16100712, 22297152, 23243261, 25591676, 27363342). ClinVar contains an entry for this variant (Variation ID: 94367). Algorithms developed to predict the effect of sequence changes on RNA splicing suggest that this variant may disrupt the consensus splice site. For these reasons, this variant has been classified as Pathogenic.

Natera, Inc.
Classification: Pathogenic for Limb-girdle muscular dystrophy type 2B. Last evaluated: 2025-09-23. Review status: criteria provided, single submitter. Criteria: Natera Variant Classification Schema (03/2026). Collection method: clinical testing. Allele origin: germline. Not counted in ClinVar's aggregate classification.
Comment: The c.937+1G>A variant in DYSF is a canonical splice donor site variant predicted to affect pre-mRNA splicing, which may result in an abnormal transcript and altered protein product. This variant is expected to result in nonsense mediated decay, truncation, or a dysfunctional protein product. This variant is rare in the general population with a frequency below the threshold expected for the associated phenotype(s). This variant has been observed in one or more individuals affected with the associated recessive disease, as either homozygous or compound heterozygous with a second variant (PMID: 32400077). Given the available evidence, this variant is classified as Pathogenic.

3billion
Classification: Pathogenic for Autosomal recessive limb-girdle muscular dystrophy type 2B. Last evaluated: 2024-03-14. Review status: criteria provided, single submitter. Criteria: ACMG Guidelines, 2015. Collection method: clinical testing. Allele origin: germline. Affected: yes. Not counted in ClinVar's aggregate classification.
Comment: The variant is observed at an extremely low frequency in the gnomAD v2.1.1 dataset (total allele frequency: 0.004%). Predicted Consequence/Location: Canonical splice site: predicted to alter splicing and result in a loss or disruption of normal protein function. Multiple pathogenic loss-of-function variants are reported downstream of the variant. The variant has been reported at least twice as pathogenic with clinical assertions and evidence for the classification (ClinVar ID: VCV000094367 /PMID: 12410383 /3billion dataset). Therefore, this variant is classified as Pathogenic according to the recommendation of ACMG/AMP guideline.

Baylor Genetics
Classification: Pathogenic for Miyoshi muscular dystrophy 1. Last evaluated: 2024-03-13. Review status: criteria provided, single submitter. Criteria: ACMG Guidelines, 2015. Collection method: clinical testing. Allele origin: unknown. Not counted in ClinVar's aggregate classification.

Blueprint Genetics
Classification: Pathogenic for DYSF-related disorders. Last evaluated: 2023-07-27. Review status: criteria provided, single submitter. Criteria: ACMG Guidelines, 2015. Collection method: clinical testing. Allele origin: germline. Affected: yes. Observed: 2 variant alleles. Not counted in ClinVar's aggregate classification.

Revvity Omics, Revvity
Classification: Pathogenic. Last evaluated: 2021-12-07. Review status: criteria provided, single submitter. Criteria: ACMG Guidelines, 2015. Collection method: clinical testing. Allele origin: germline. Not counted in ClinVar's aggregate classification.

Myriad Genetics, Inc.
Classification: Pathogenic for Autosomal recessive limb-girdle muscular dystrophy. Last evaluated: 2021-11-08. Review status: criteria provided, single submitter. Criteria: Myriad Autosomal Dominant, Autosomal Recessive and X-Linked Classification Criteria (2023). Collection method: clinical testing. Allele origin: unknown. Not counted in ClinVar's aggregate classification.
Comment: NM_003494.3(DYSF):c.937+1G>A is a canonical splice variant classified as pathogenic in the context of dysferlinopathy. c.937+1G>A has been observed in cases with relevant disease (PMID: 23243261, 27647186, 16100712, 18853459). Functional assessments of this variant are not available in the literature. c.937+1G>A has been observed in population frequency databases (gnomAD: EAS 0.03%). In summary, NM_003494.3(DYSF):c.937+1G>A is a canonical splice variant in a gene where loss of function is a known mechanism of disease, is predicted to disrupt protein function, and has been observed more frequently in cases with the relevant disease than in healthy populations. Please note: this variant was assessed in the context of healthy population screening.

Eurofins Ntd Llc (ga)
Classification: Pathogenic. Last evaluated: 2015-12-11. Review status: criteria provided, single submitter. Criteria: EGL Classification Definitions 2015. Collection method: clinical testing. Allele origin: germline. Observed: 1 variant allele, 1 heterozygote. Not counted in ClinVar's aggregate classification.

Juno Genomics, Hangzhou Juno Genomics, Inc
Classification: Pathogenic for Miyoshi muscular dystrophy 1; Autosomal recessive limb-girdle muscular dystrophy type 2B; Distal myopathy with anterior tibial onset. Review status: criteria provided, single submitter. Criteria: ACMG Guidelines, 2015. Collection method: clinical testing. Allele origin: germline. Affected: yes. Not counted in ClinVar's aggregate classification.
Comment: Absent from controls (or at extremely low frequency if recessive) in Genome Aggregation Database, Exome Sequencing Project, 1000 Genomes Project, or Exome Aggregation Consortium.;Null variant in a gene where loss of function (LOF) is a known mechanism of disease.;For recessive disorders, detected in trans with a pathogenic variant.;Patient's phenotype or family history is highly specific for a disease with a single genetic etiology.

Literature cited by the submitters: PubMed 16199547 (cited by Labcorp Genetics (formerly Invitae), Labcorp); PubMed 17698709 (cited by Labcorp Genetics (formerly Invitae), Labcorp); PubMed 20301480 (cited by Labcorp Genetics (formerly Invitae), Labcorp); PubMed 16100712 (cited by Labcorp Genetics (formerly Invitae), Labcorp and Myriad Genetics, Inc.); PubMed 22297152 (cited by Labcorp Genetics (formerly Invitae), Labcorp); PubMed 23243261 (cited by Labcorp Genetics (formerly Invitae), Labcorp and Myriad Genetics, Inc.); PubMed 25591676 (cited by Labcorp Genetics (formerly Invitae), Labcorp); PubMed 27363342 (cited by Labcorp Genetics (formerly Invitae), Labcorp); PubMed 32400077 (cited by Natera, Inc.); PubMed 12410383 (cited by 3billion); PubMed 18853459 (cited by Myriad Genetics, Inc.); PubMed 27647186 (cited by Myriad Genetics, Inc.).